The following is an entry in ClinVar:

NM_001034852.3(SMOC1):c.253G>C (p.Gly85Arg)

Gene: SMOC1 (SPARC related modular calcium binding 1; plus strand). Cytogenetic location: 14q24.2.
Variant type: single nucleotide variant.
Coding change: c.253G>C on transcript NM_001034852.3 (MANE Select); coding-DNA position 253, G replaced by C.
Protein change: p.Gly85Arg; replaces glycine 85 with arginine.
Molecular consequence: missense variant.
Genome position (GRCh38, 1-based): chr14:69,952,291, G>C. VCF-style: chr14-69952291-G-C. GRCh37 (hg19) VCF-style: chr14-70419008-G-C.
Other names: c.253G>C, p.Gly85Arg (NM_022137.6); short protein forms G85R.
Identifiers: ClinVar variation 730045 (VCV000730045.11), dbSNP rs145722328, ClinGen allele CA7246388.

ClinVar aggregate classification (germline): Likely benign. Review status: criteria provided, single submitter (1 of 4 stars). 2 submissions from 2 submitters: Likely benign (1). 1 of the submissions does not count toward it. Last evaluated 2025-02-24.

Conditions:
SMOC1-related disorder. Also called: SMOC1-related condition.

Allele frequency attached by ClinVar (database versions not stated): gnomAD exomes 0.00015 and 0.00036; ExAC 0.00038; ESP Exome Variant Server 0.00092; gnomAD 0.00174 and 0.00185; TOPMed 0.00182; 1000 Genomes Project 30x 0.00187; 1000 Genomes Project 0.00200.
gnomAD v4.1: 489 of 1,614,136 alleles (0.03%); highest among the groups gnomAD compares: African/African-American, 0.58%; 2 homozygotes.

Submissions (2):

Labcorp Genetics (formerly Invitae), Labcorp
Classification: Likely benign. Last evaluated: 2025-02-24. Review status: criteria provided, single submitter. Criteria: Invitae Variant Classification Sherloc (09022015). Collection method: clinical testing. Allele origin: germline.

PreventionGenetics, part of Exact Sciences
Classification: Likely benign for SMOC1-related condition. Last evaluated: 2020-05-12. Review status: no assertion criteria provided. Collection method: clinical testing. Allele origin: germline. Not counted in ClinVar's aggregate classification.
Comment: This variant is classified as likely benign based on ACMG/AMP sequence variant interpretation guidelines (Richards et al. 2015 PMID: 25741868, with internal and published modifications).